The following is an entry in ClinVar:

ClinVar aggregate classification (germline): Uncertain significance (1 of 4 stars; one submission).

Allele frequency attached by ClinVar (database versions not stated): gnomAD exomes below 0.00001.

Submission:

Labcorp Genetics (formerly Invitae), Labcorp
Classification: Uncertain significance. Last evaluated: 2021-05-13. Review status: criteria provided, single submitter. Criteria: Invitae Variant Classification Sherloc (09022015). Collection method: clinical testing. Allele origin: germline.
Comment: This sequence change replaces cysteine with tyrosine at codon 285 of the HSPG2 protein (p.Cys285Tyr). The cysteine residue is highly conserved and there is a large physicochemical difference between cysteine and tyrosine. This variant is not present in population databases (ExAC no frequency). This variant has not been reported in the literature in individuals with HSPG2-related conditions. Algorithms developed to predict the effect of missense changes on protein structure and function are either unavailable or do not agree on the potential impact of this missense change (SIFT: "Deleterious"; PolyPhen-2: "Probably Damaging"; Align-GVGD: "Class C0"). In summary, the available evidence is currently insufficient to determine the role of this variant in disease. Therefore, it has been classified as a Variant of Uncertain Significance.

NM_005529.7(HSPG2):c.854G>A (p.Cys285Tyr)

Gene: HSPG2 (heparan sulfate proteoglycan 2; minus strand). Cytogenetic location: 1p36.12.
Variant type: single nucleotide variant.
Coding change: c.854G>A on transcript NM_005529.7 (MANE Select); coding-DNA position 854, G replaced by A.
Protein change: p.Cys285Tyr; replaces cysteine 285 with tyrosine.
Molecular consequence: missense variant.
Genome position (GRCh38, 1-based): chr1:21,887,524, C>T on the plus strand (G>A on the coding strand, the complement: HSPG2 is on the minus strand). VCF-style: chr1-21887524-C-T. GRCh37 (hg19) VCF-style: chr1-22214017-C-T.
Other names: c.854G>A, p.Cys285Tyr (NM_001291860.2); short protein forms C285Y.
Identifiers: ClinVar variation 1466227 (VCV001466227.8), dbSNP rs1451667572, ClinGen allele CA338969382.